The following is an entry in ClinVar:

ClinVar aggregate classification (germline): Pathogenic (1 of 4 stars; one submission).

Submission:

Labcorp Genetics (formerly Invitae), Labcorp
Classification: Pathogenic. Last evaluated: 2023-09-08. Review status: criteria provided, single submitter. Criteria: Invitae Variant Classification Sherloc (09022015). Collection method: clinical testing. Allele origin: germline.
Comment: This sequence change creates a premature translational stop signal (p.Cys1145Valfs*38) in the TG gene. It is expected to result in an absent or disrupted protein product. Loss-of-function variants in TG are known to be pathogenic (PMID: 19837936, 23164529). This variant is not present in population databases (gnomAD no frequency). This variant has not been reported in the literature in individuals affected with TG-related conditions. For these reasons, this variant has been classified as Pathogenic.

Literature cited by the submitters: PubMed 19837936; PubMed 23164529.

NM_003235.5(TG):c.3431dup (p.Cys1145fs)

Gene: TG (thyroglobulin; plus strand). Cytogenetic location: 8q24.22.
Variant type: Duplication.
Coding change: c.3431dup on transcript NM_003235.5 (MANE Select); coding-DNA position 3431, one base duplicated (A; older notation c.3431dupA).
Protein change: p.Cys1145fs; shifts the reading frame from cysteine 1145.
Molecular consequence: frameshift variant.
Genome position (GRCh38, 1-based): chr8:132,900,337, A duplicated. VCF-style (leftmost placement, unchanged base first): chr8-132900336-C-CA. GRCh37 (hg19) VCF-style: chr8-133912581-C-CA.
Other names: short protein forms C1145fs.
Identifiers: ClinVar variation 3010940 (VCV003010940.3), dbSNP rs2490049262, ClinGen allele CA2740095143.
Genomic context (GRCh38, chr8:132,900,336, plus strand): 5'-ACCTGGTGTGTGGACCCTGCATCAGGAGAAGAGTTGCGGCCTGGCTCGAGCAGCAGTGCC[C>CA]AGTGTGAGTAGCAGCCCCTCCTGGCATGGCTTCTCACCTCTTCTGTGGGGCACTGAGCGT-3'